The following is an entry in ClinVar:

NM_001135649.3(FOXI3):c.665A>G (p.Asp222Gly)

Gene: FOXI3 (forkhead box I3; minus strand). Cytogenetic location: 2p11.2.
Variant type: single nucleotide variant.
Coding change: c.665A>G on transcript NM_001135649.3 (MANE Select); coding-DNA position 665, A replaced by G.
Protein change: p.Asp222Gly; replaces aspartic acid 222 with glycine.
Molecular consequence: missense variant.
Genome position (GRCh38, 1-based): chr2:88,448,805, T>C on the plus strand (A>G on the coding strand, the complement: FOXI3 is on the minus strand). VCF-style: chr2-88448805-T-C. GRCh37 (hg19) VCF-style: chr2-88748324-T-C.
Other names: short protein forms D222G.
Identifiers: ClinVar variation 2835022 (VCV002835022.3), dbSNP rs2528910562, ClinGen allele CA347765543.

ClinVar aggregate classification (germline): Uncertain significance (1 of 4 stars; one submission).

Allele frequency attached by ClinVar (database versions not stated): gnomAD exomes below 0.00001.
gnomAD v4.1: 1 of 1,551,560 alleles (0.000064%); highest among the groups gnomAD compares: Non-Finnish European, 0.000087%; no homozygotes.

Submission:

Labcorp Genetics (formerly Invitae), Labcorp
Classification: Uncertain significance. Last evaluated: 2024-10-28. Review status: criteria provided, single submitter. Criteria: Invitae Variant Classification Sherloc (09022015). Collection method: clinical testing. Allele origin: germline.
Comment: This sequence change replaces aspartic acid, which is acidic and polar, with glycine, which is neutral and non-polar, at codon 222 of the FOXI3 protein (p.Asp222Gly). This variant is not present in population databases (gnomAD no frequency). This variant has not been reported in the literature in individuals affected with FOXI3-related conditions. Experimental studies and prediction algorithms are not available or were not evaluated, and the functional significance of this variant is currently unknown. In summary, the available evidence is currently insufficient to determine the role of this variant in disease. Therefore, it has been classified as a Variant of Uncertain Significance.